The following is an entry in ClinVar:

NM_001330078.2(NRXN1):c.2144-22_2144-20del

Gene: NRXN1 (neurexin 1; minus strand). Cytogenetic location: 2p16.3.
Variant type: Deletion.
Coding change: c.2144-22_2144-20del on transcript NM_001330078.2 (MANE Select); 22 bases into the intron before coding-DNA position 2144 through 20 bases into the intron before coding-DNA position 2144, 3 bases deleted (CAT; older notation c.2144-22_2144-20delCAT).
Molecular consequence: intron variant.
Genome position (GRCh38, 1-based): chr2:50,531,450-50,531,452, ATG deleted on the plus strand (CAT on the coding strand, the reverse complement: NRXN1 is on the minus strand); deleting any 3 consecutive bases within chr2:50,531,450-50,531,454 gives the same sequence; the c. name uses the placement nearest the transcript's 3' end. VCF-style (leftmost placement, unchanged base first): chr2-50531449-TATG-T. GRCh37 (hg19) VCF-style: chr2-50758587-TATG-T.
Other names: c.2264-22_2264-20delCAT (NM_001135659.1); c.2060-22_2060-20del (NM_001330096.2, NM_001330087.2); c.2105-22_2105-20del (NM_001330083.2, NM_001330084.2); c.2090-22_2090-20del (NM_001330088.2); c.2141-22_2141-20del (NM_001330093.2); c.2132-22_2132-20del (NM_001330094.2); c.2120-22_2120-20del (NM_001330095.2, NM_001330082.2, NM_001330077.2); c.2144-22_2144-20del (NM_001330085.2, NM_004801.6, NM_001330086.2); and 1 more.
Identifiers: ClinVar variation 420685 (VCV000420685.9), dbSNP rs779214382, ClinGen allele CA1654907.

ClinVar aggregate classification (germline): Likely benign. Review status: criteria provided, multiple submitters, no conflicts (2 of 4 stars). 3 submissions from 3 submitters: Likely benign (3). Last evaluated 2025-04-20.

Conditions:
Pitt-Hopkins-like syndrome 2 (PTHSL2). Identifiers: Orphanet 221150, Orphanet 600663, MedGen C3280479, MONDO:0013690, OMIM 614325.

Submissions (3):

Labcorp Genetics (formerly Invitae), Labcorp
Classification: Likely benign for Pitt-Hopkins-like syndrome 2. Last evaluated: 2025-04-20. Review status: criteria provided, single submitter. Criteria: Invitae Variant Classification Sherloc (09022015). Collection method: clinical testing. Allele origin: germline.

Blueprint Genetics
Classification: Likely benign. Last evaluated: 2023-05-25. Review status: criteria provided, single submitter. Criteria: ACMG Guidelines, 2015. Collection method: clinical testing. Allele origin: germline.

GeneDx
Classification: Likely benign. Last evaluated: 2017-08-10. Review status: criteria provided, single submitter. Criteria: GeneDx Variant Classification (06012015). Collection method: clinical testing. Allele origin: germline. Affected: yes.
Comment: This variant is considered likely benign or benign based on one or more of the following criteria: it is a conservative change, it occurs at a poorly conserved position in the protein, it is predicted to be benign by multiple in silico algorithms, and/or has population frequency not consistent with disease.